The following is an entry in ClinVar:

NM_000081.4(LYST):c.3044A>T (p.Asp1015Val)

Gene: LYST (lysosomal trafficking regulator; minus strand). Cytogenetic location: 1q42.3.
Variant type: single nucleotide variant.
Coding change: c.3044A>T on transcript NM_000081.4 (MANE Select); coding-DNA position 3044, A replaced by T.
Protein change: p.Asp1015Val; replaces aspartic acid 1015 with valine.
Molecular consequence: missense variant.
Genome position (GRCh38, 1-based): chr1:235,806,092, T>A on the plus strand (A>T on the coding strand, the complement: LYST is on the minus strand). VCF-style: chr1-235806092-T-A. GRCh37 (hg19) VCF-style: chr1-235969392-T-A.
Other names: c.3044A>T, p.Asp1015Val (NM_001301365.1); short protein forms D1015V.
Identifiers: ClinVar variation 2760715 (VCV002760715.3), dbSNP rs2527074895, ClinGen allele CA344953986.

ClinVar aggregate classification (germline): Uncertain significance (1 of 4 stars; one submission).

Conditions:
Chédiak-Higashi syndrome (CHS). Also called: Chediak-Higashi Syndrome. Identifiers: Orphanet 167, MedGen C0007965, MONDO:0008963, OMIM 214500.

Submission:

Labcorp Genetics (formerly Invitae), Labcorp
Classification: Uncertain significance for Chédiak-Higashi syndrome. Last evaluated: 2023-09-14. Review status: criteria provided, single submitter. Criteria: Invitae Variant Classification Sherloc (09022015). Collection method: clinical testing. Allele origin: germline.
Comment: This sequence change replaces aspartic acid, which is acidic and polar, with valine, which is neutral and non-polar, at codon 1015 of the LYST protein (p.Asp1015Val). This variant is not present in population databases (gnomAD no frequency). This variant has not been reported in the literature in individuals affected with LYST-related conditions. Advanced modeling of protein sequence and biophysical properties (such as structural, functional, and spatial information, amino acid conservation, physicochemical variation, residue mobility, and thermodynamic stability) performed at Invitae indicates that this missense variant is not expected to disrupt LYST protein function. In summary, the available evidence is currently insufficient to determine the role of this variant in disease. Therefore, it has been classified as a Variant of Uncertain Significance.